The following is an entry in ClinVar:

ClinVar aggregate classification (germline): Uncertain significance. Review status: criteria provided, multiple submitters, no conflicts (2 of 4 stars). 3 submissions from 3 submitters: Uncertain significance (3). Last evaluated 2023-03-03.

Conditions:
Hereditary cancer-predisposing syndrome. Also called: Tumor predisposition; Hereditary neoplastic syndrome; Neoplastic Syndromes, Hereditary; Hereditary Cancer Syndrome. Identifiers: Orphanet 140162, MedGen C0027672, MeSH D009386, MONDO:0015356.
Ataxia-telangiectasia syndrome (AT). Also called: Ataxia-telangiectasia, complementation group D; AT, COMPLEMENTATION GROUP C; ATAXIA-TELANGIECTASIA, COMPLEMENTATION GROUP A; ATAXIA-TELANGIECTASIA, FRESNO VARIANT; Ataxia-telangiectasia; LOUIS-BAR SYNDROME. Identifiers: Orphanet 100, MedGen C0004135, MONDO:0008840, OMIM 208900.

Allele frequency attached by ClinVar (database versions not stated): gnomAD exomes below 0.00001.
gnomAD v4.1: 1 of 1,613,122 alleles (0.000062%); highest among the groups gnomAD compares: Non-Finnish European, 0.000085%; no homozygotes.

Submissions (3):

GeneDx
Classification: Uncertain significance. Last evaluated: 2023-03-03. Review status: criteria provided, single submitter. Criteria: GeneDx Variant Classification Process June 2021. Collection method: clinical testing. Allele origin: germline. Affected: yes.
Comment: Not observed at significant frequency in large population cohorts (gnomAD); In silico analysis supports that this missense variant has a deleterious effect on protein structure/function; Has not been previously published as pathogenic or benign to our knowledge; This variant is associated with the following publications: (PMID: 23532176)

Ambry Genetics
Classification: Uncertain significance for Hereditary cancer-predisposing syndrome. Last evaluated: 2022-11-24. Review status: criteria provided, single submitter. Criteria: Ambry Variant Classification Scheme 2023. Collection method: clinical testing. Allele origin: germline.
Comment: The p.I2012M variant (also known as c.6036A>G), located in coding exon 40 of the ATM gene, results from an A to G substitution at nucleotide position 6036. The isoleucine at codon 2012 is replaced by methionine, an amino acid with highly similar properties. This amino acid position is highly conserved in available vertebrate species. In addition, this alteration is predicted to be tolerated by in silico analysis. Since supporting evidence is limited at this time, the clinical significance of this alteration remains unclear.

Labcorp Genetics (formerly Invitae), Labcorp
Classification: Uncertain significance for Ataxia-telangiectasia syndrome. Last evaluated: 2019-11-23. Review status: criteria provided, single submitter. Criteria: Invitae Variant Classification Sherloc (09022015). Collection method: clinical testing. Allele origin: germline.
Comment: In summary, the available evidence is currently insufficient to determine the role of this variant in disease. Therefore, it has been classified as a Variant of Uncertain Significance. Algorithms developed to predict the effect of missense changes on protein structure and function are either unavailable or do not agree on the potential impact of this missense change (SIFT: "Deleterious"; PolyPhen-2: "Probably Damaging"; Align-GVGD: "Class C0"). This variant has not been reported in the literature in individuals with ATM-related disease. This variant is not present in population databases (ExAC no frequency). This sequence change replaces isoleucine with methionine at codon 2012 of the ATM protein (p.Ile2012Met). The isoleucine residue is highly conserved and there is a small physicochemical difference between isoleucine and methionine.

NM_000051.4(ATM):c.6036A>G (p.Ile2012Met)

Genes: C11orf65 (chromosome 11 open reading frame 65; minus strand), ATM (ATM serine/threonine kinase; plus strand). Cytogenetic location: 11q22.3.
Variant type: single nucleotide variant.
Coding change: c.6036A>G on transcript NM_000051.4 (MANE Select); coding-DNA position 6036, A replaced by G.
Protein change: p.Ile2012Met; replaces isoleucine 2012 with methionine.
Molecular consequence: missense variant. On other transcripts: intron variant (2).
Genome position (GRCh38, 1-based): chr11:108,315,852, A>G. VCF-style: chr11-108315852-A-G. GRCh37 (hg19) VCF-style: chr11-108186579-A-G.
Other names: c.6036A>G, p.Ile2012Met (NM_001351834.2); c.641-6781T>C (NM_001330368.2); c.*39-6781T>C (NM_001351110.2); short protein forms I2012M.
Identifiers: ClinVar variation 663371 (VCV000663371.14), dbSNP rs1591776713, ClinGen allele CA382549904.